The following is an entry in ClinVar:

NM_144573.4(NEXN):c.783C>G (p.Asn261Lys)

Gene: NEXN (nexilin F-actin binding protein; plus strand). Cytogenetic location: 1p31.1.
Variant type: single nucleotide variant.
Coding change: c.783C>G on transcript NM_144573.4 (MANE Select); coding-DNA position 783, C replaced by G.
Protein change: p.Asn261Lys; replaces asparagine 261 with lysine.
Molecular consequence: missense variant.
Genome position (GRCh38, 1-based): chr1:77,926,811, C>G. VCF-style: chr1-77926811-C-G. GRCh37 (hg19) VCF-style: chr1-78392496-C-G.
Other names: c.591C>G, p.Asn197Lys (NM_001172309.2); short protein forms N261K, N197K.
Identifiers: ClinVar variation 1417279 (VCV001417279.10), dbSNP rs368545006, ClinGen allele CA918730.

ClinVar aggregate classification (germline): Uncertain significance. Review status: criteria provided, multiple submitters, no conflicts (2 of 4 stars). 2 submissions from 2 submitters: Uncertain significance (2). Last evaluated 2024-08-13.

Conditions:
Hypertrophic cardiomyopathy 20. Identifiers: MedGen C3151267, MONDO:0013477, OMIM 613876.
Dilated cardiomyopathy 1CC (CMD1CC). Identifiers: Orphanet 154, MedGen C2751084, MONDO:0013147, OMIM 613122.
Cardiovascular phenotype. Identifiers: MedGen CN230736.

Allele frequency attached by ClinVar (database versions not stated): gnomAD exomes 0.00001; gnomAD 0.00002; TOPMed 0.00002; ExAC 0.00003; ESP Exome Variant Server 0.00008.
gnomAD v4.1: 4 of 1,613,624 alleles (0.00025%); highest among the groups gnomAD compares: African/African-American, 0.0053%; no homozygotes.

Submissions (2):

Labcorp Genetics (formerly Invitae), Labcorp
Classification: Uncertain significance for Dilated cardiomyopathy 1CC; Hypertrophic cardiomyopathy 20. Last evaluated: 2024-08-13. Review status: criteria provided, single submitter. Criteria: Invitae Variant Classification Sherloc (09022015). Collection method: clinical testing. Allele origin: germline.
Comment: This sequence change replaces asparagine, which is neutral and polar, with lysine, which is basic and polar, at codon 261 of the NEXN protein (p.Asn261Lys). This variant is present in population databases (rs368545006, gnomAD 0.02%). This variant has not been reported in the literature in individuals affected with NEXN-related conditions. ClinVar contains an entry for this variant (Variation ID: 1417279). Advanced modeling of protein sequence and biophysical properties (such as structural, functional, and spatial information, amino acid conservation, physicochemical variation, residue mobility, and thermodynamic stability) performed at Invitae indicates that this missense variant is not expected to disrupt NEXN protein function with a negative predictive value of 80%. In summary, the available evidence is currently insufficient to determine the role of this variant in disease. Therefore, it has been classified as a Variant of Uncertain Significance.

Ambry Genetics
Classification: Uncertain significance for Cardiovascular phenotype. Last evaluated: 2021-11-24. Review status: criteria provided, single submitter. Criteria: Ambry Variant Classification Scheme 2023. Collection method: clinical testing. Allele origin: germline.
Comment: The p.N261K variant (also known as c.783C>G), located in coding exon 7 of the NEXN gene, results from a C to G substitution at nucleotide position 783. The asparagine at codon 261 is replaced by lysine, an amino acid with similar properties. This amino acid position is conserved. In addition, this alteration is predicted to be tolerated by in silico analysis. Since supporting evidence is limited at this time, the clinical significance of this alteration remains unclear.